The following is an entry in ClinVar:

ClinVar aggregate classification (germline): Pathogenic (1 of 4 stars; one submission).

Submission:

Labcorp Genetics (formerly Invitae), Labcorp
Classification: Pathogenic. Last evaluated: 2024-09-04. Review status: criteria provided, single submitter. Criteria: Invitae Variant Classification Sherloc (09022015). Collection method: clinical testing. Allele origin: germline.
Comment: This sequence change creates a premature translational stop signal (p.Leu567Glyfs*14) in the TET2 gene. It is expected to result in an absent or disrupted protein product. Loss-of-function variants in TET2 are known to be pathogenic (PMID: 36066697). This variant is present in population databases (rs773810711, gnomAD 0.004%). This variant has not been reported in the literature in individuals affected with TET2-related conditions. For these reasons, this variant has been classified as Pathogenic.

Literature cited by the submitters: PubMed 36066697.

NM_001127208.3(TET2):c.1699_1703del (p.Leu567fs)

Genes: TET2 (tet methylcytosine dioxygenase 2; plus strand), TET2-AS1 (TET2 antisense RNA 1; minus strand). Cytogenetic location: 4q24.
Variant type: Microsatellite.
Coding change: c.1699_1703del on transcript NM_001127208.3 (MANE Select); coding-DNA positions 1699 to 1703, 5 bases deleted (TTGAA; older notation c.1699_1703delTTGAA).
Protein change: p.Leu567fs; shifts the reading frame from leucine 567.
Molecular consequence: frameshift variant.
Genome position (GRCh38, 1-based): chr4:105,235,641-105,235,645, TTGAA deleted; deleting any 5 consecutive bases within chr4:105,235,635-105,235,645 gives the same sequence; the c. name uses the placement nearest the transcript's 3' end. VCF-style (leftmost placement, unchanged base first): chr4-105235634-GATTGA-G. GRCh37 (hg19) VCF-style: chr4-106156791-GATTGA-G.
Other names: c.1699_1703del, p.Leu567fs (NM_017628.4); short protein forms L567fs.
Identifiers: ClinVar variation 2111280 (VCV002111280.4), dbSNP rs773810711, ClinGen allele CA3031740.